The following is an entry in ClinVar:

ClinVar aggregate classification (germline): Uncertain significance (1 of 4 stars; one submission).

Allele frequency attached by ClinVar (database versions not stated): TOPMed 0.00003; ESP Exome Variant Server 0.00015; gnomAD 0.00002; ExAC 0.00003; gnomAD exomes 0.00008 and 0.00004.
gnomAD v4.1: 128 of 1,614,002 alleles (0.0079%); highest among the groups gnomAD compares: Non-Finnish European, 0.0097%; no homozygotes.

Submission:

Labcorp Genetics (formerly Invitae), Labcorp
Classification: Uncertain significance. Last evaluated: 2021-08-30. Review status: criteria provided, single submitter. Criteria: Invitae Variant Classification Sherloc (09022015). Collection method: clinical testing. Allele origin: germline.
Comment: This sequence change replaces valine with isoleucine at codon 489 of the ARSG protein (p.Val489Ile). The valine residue is moderately conserved and there is a small physicochemical difference between valine and isoleucine. This variant is present in population databases (rs373638226, ExAC 0.006%). This variant has not been reported in the literature in individuals affected with ARSG-related conditions. Algorithms developed to predict the effect of missense changes on protein structure and function output the following: SIFT: "Tolerated"; PolyPhen-2: "Benign"; Align-GVGD: "Class C0". The isoleucine amino acid residue is found in multiple mammalian species, which suggests that this missense change does not adversely affect protein function. In summary, the available evidence is currently insufficient to determine the role of this variant in disease. Therefore, it has been classified as a Variant of Uncertain Significance.

NM_001267727.2(ARSG):c.1465G>A (p.Val489Ile)

Genes: ARSG (arylsulfatase G; plus strand), PRKAR1A (protein kinase cAMP-dependent type I regulatory subunit alpha; plus strand). Cytogenetic location: 17q24.2.
Variant type: single nucleotide variant.
Coding change: c.1465G>A on transcript NM_001267727.2 (MANE Select); coding-DNA position 1465, G replaced by A.
Protein change: p.Val489Ile; replaces valine 489 with isoleucine.
Molecular consequence: missense variant. On other transcripts: intron variant (3).
Genome position (GRCh38, 1-based): chr17:68,420,350, G>A. VCF-style: chr17-68420350-G-A. GRCh37 (hg19) VCF-style: chr17-66416491-G-A.
Other names: c.1465G>A, p.Val489Ile (NM_001352899.2, NM_001352900.2, NM_001352901.2 and 2 more transcripts); c.1462G>A, p.Val488Ile (NM_001352903.2, NM_001352904.2, NM_001352905.2 and 2 more transcripts); c.1303+18900G>A (NM_001352910.2); c.1255+18900G>A (NM_001352909.2); c.-7+6555G>A (NM_001278433.2); short protein forms V488I, V489I.
Identifiers: ClinVar variation 1060341 (VCV001060341.7), dbSNP rs373638226, ClinGen allele CA8728585.